The following is an entry in ClinVar:

ClinVar aggregate classification (germline): Likely benign (1 of 4 stars; one submission).

gnomAD v4.1: 335 of 1,613,864 alleles (0.021%); highest among the groups gnomAD compares: African/African-American, 0.39%; 4 homozygotes.

Submission:

CeGaT Center for Human Genetics Tuebingen
Classification: Likely benign. Last evaluated: 2025-09-01. Review status: criteria provided, single submitter. Criteria: CeGaT Center For Human Genetics Tuebingen Variant Classification Criteria Version 2. Collection method: clinical testing. Allele origin: germline. Affected: yes. Observed: 2 variant alleles.
Comment: CFC1: BP4, BP7

NM_032545.4(CFC1):c.231C>T (p.Ser77=)

Gene: CFC1 (cryptic, EGF-CFC family member 1; minus strand). Cytogenetic location: 2q21.1.
Variant type: single nucleotide variant.
Coding change: c.231C>T on transcript NM_032545.4 (MANE Select); coding-DNA position 231, C replaced by T.
Protein change: p.Ser77=; no amino-acid change (serine 77 retained).
Molecular consequence: synonymous variant.
Genome position (GRCh38, 1-based): chr2:130,598,658, G>A on the plus strand (C>T on the coding strand, the complement: CFC1 is on the minus strand). VCF-style: chr2-130598658-G-A. GRCh37 (hg19) VCF-style: chr2-131356231-G-A.
Other names: c.231C>T, p.Ser77= (NM_001270420.2, NM_001270421.2).
Identifiers: ClinVar variation 3898313 (VCV003898313.7).